The following is an entry in ClinVar:

NM_001267550.2(TTN):c.43565A>G (p.His14522Arg)

Gene: TTN (titin; minus strand). Cytogenetic location: 2q31.2.
Variant type: single nucleotide variant.
Coding change: c.43565A>G on transcript NM_001267550.2 (MANE Select); coding-DNA position 43565, A replaced by G.
Protein change: p.His14522Arg; replaces histidine 14522 with arginine.
Molecular consequence: missense variant.
Genome position (GRCh38, 1-based): chr2:178,632,329, T>C on the plus strand (A>G on the coding strand, the complement: TTN is on the minus strand). VCF-style: chr2-178632329-T-C. GRCh37 (hg19) VCF-style: chr2-179497056-T-C.
Other names: c.38642A>G, p.His12881Arg (NM_001256850.1); c.16370A>G, p.His5457Arg (NM_003319.4); c.35861A>G, p.His11954Arg (NM_133378.4); c.16745A>G, p.His5582Arg (NM_133432.3); c.16946A>G, p.His5649Arg (NM_133437.4); short protein forms H14522R, H5457R, H11954R, H12881R, H5582R, H5649R.
Identifiers: ClinVar variation 238778 (VCV000238778.22), dbSNP rs374085402, ClinGen allele CA1995834.
Genomic context (GRCh38, chr2:178,632,329, plus strand): 5'-ACCGACCTGGTGGTGTGTAGGCGCTGGTCATTCTTGAACCATTTAACTCGGATGTTATCA[T>C]GAGATAACTCCACAGTAAATACAGCACTTTCCTTCTCTTTGGCAGTTACATCTTTGAGAG-3'
Protein context (NP_001254479.2, residues 14512-14532): ESAVFTVELS[His14522Arg]DNIRVKWFKN

ClinVar aggregate classification (germline): Conflicting classifications of pathogenicity. Review status: criteria provided, conflicting classifications (1 of 4 stars). 9 submissions from 9 submitters: Uncertain significance (8); Likely benign (1). Last evaluated 2025-06-25.

Conditions:
Cardiovascular phenotype. Identifiers: MedGen CN230736.
TTN-related disorder. Also called: TTN-related condition; TTN-related disease; TTN-related disorders.
Autosomal recessive limb-girdle muscular dystrophy type 2J (LGMDR10). Also called: MUSCULAR DYSTROPHY, LIMB-GIRDLE, AUTOSOMAL RECESSIVE 10; Limb-girdle muscular dystrophy, type 2J. Identifiers: Orphanet 140922, MedGen C1837342, MONDO:0012127, OMIM 608807.
Dilated cardiomyopathy 1G (CMD1G). Identifiers: Orphanet 154, MedGen C1858763, MONDO:0011400, OMIM 604145.
Hypertrophic cardiomyopathy 9. Also called: Familial hypertrophic cardiomyopathy 9. Identifiers: MedGen C1861065, MONDO:0013412, OMIM 613765.
Early-onset myopathy with fatal cardiomyopathy (CMYO5). Also called: CONGENITAL MYOPATHY 5 WITH CARDIOMYOPATHY; Salih Myopathy. Identifiers: Orphanet 289377, MedGen C2673677, MONDO:0012714, OMIM 611705. Disease mechanism: loss of function.
Myopathy, myofibrillar, 9, with early respiratory failure (MFM9). Also called: Myopathy, distal, with early respiratory failure, autosomal dominant; EDSTROM MYOPATHY; MYOPATHY, PROXIMAL, WITH EARLY RESPIRATORY MUSCLE INVOLVEMENT; Hereditary myopathy with early respiratory failure. Identifiers: Orphanet 178464, Orphanet 34521, MedGen C1863599, MONDO:0011362, OMIM 603689.
Tibial muscular dystrophy (TMD). Also called: Tibial muscular dystrophy, tardive; UDD MYOPATHY; Udd Distal Myopathy – Tibial Muscular Dystrophy. Identifiers: Orphanet 609, MedGen C1838244, MONDO:0010870, OMIM 600334.
Cardiomyopathy (CMYO). Also called: Cardiomyopathies. Identifiers: Orphanet 167848, MedGen C0878544, MONDO:0004994, HP:0001638. Inheritance: Various modes of inheritance.
Hypertrophic cardiomyopathy. Also called: HYPERTROPHIC MYOCARDIOPATHY. Identifiers: Orphanet 217569, MedGen C0007194, MeSH D002312, MONDO:0005045, HP:0001639.

Allele frequency attached by ClinVar (database versions not stated): gnomAD exomes 0.00005 and 0.00001; TOPMed 0.00006; ExAC 0.00009; gnomAD 0.00001.
gnomAD v4.1: 32 of 1,605,766 alleles (0.002%); highest among the groups gnomAD compares: East Asian, 0.027%; no homozygotes.

Submissions (9):

PreventionGenetics, part of Exact Sciences
Classification: Uncertain significance for TTN-related condition. Last evaluated: 2025-06-25. Review status: criteria provided, single submitter. Criteria: ACMG Guidelines, 2015. Collection method: clinical testing. Allele origin: germline.
Comment: The TTN c.43565A>G variant is predicted to result in the amino acid substitution p.His14522Arg. To our knowledge, this variant has not been reported in the literature. This variant is reported in 0.047% of alleles in individuals of East Asian descent in gnomAD. At this time, the clinical significance of this variant is uncertain due to the absence of conclusive functional and genetic evidence.

Fulgent Genetics
Classification: Uncertain significance for Tibial muscular dystrophy; Myopathy, myofibrillar, 9, with early respiratory failure; Dilated cardiomyopathy 1G; Autosomal recessive limb-girdle muscular dystrophy type 2J; Early-onset myopathy with fatal cardiomyopathy; Hypertrophic cardiomyopathy 9. Last evaluated: 2024-05-15. Review status: criteria provided, single submitter. Criteria: ACMG Guidelines, 2015. Collection method: clinical testing. Allele origin: germline.

Revvity Omics, Revvity
Classification: Uncertain significance. Last evaluated: 2022-01-28. Review status: criteria provided, single submitter. Criteria: ACMG Guidelines, 2015. Collection method: clinical testing. Allele origin: germline.

GeneDx
Classification: Likely benign. Last evaluated: 2021-07-21. Review status: criteria provided, single submitter. Criteria: GeneDx Variant Classification Process June 2021. Collection method: clinical testing. Allele origin: germline. Affected: yes.
Comment: This variant is associated with the following publications: (PMID: 27535533)

Ambry Genetics
Classification: Uncertain significance for Cardiovascular phenotype. Last evaluated: 2018-09-12. Review status: criteria provided, single submitter. Criteria: Ambry Variant Classification Scheme 2023. Collection method: clinical testing. Allele origin: germline.
Comment: The p.H5457R variant (also known as c.16370A>G), located in coding exon 63 of the TTN gene, results from an A to G substitution at nucleotide position 16370. The histidine at codon 5457 is replaced by arginine, an amino acid with highly similar properties. This amino acid position is highly conserved in available vertebrate species. In addition, this alteration is predicted to be probably damaging and tolerated by PolyPhen and SIFT in silico analyses, respectively. Since supporting evidence is limited at this time, the clinical significance of this variant remains unclear.

Eurofins Ntd Llc (ga)
Classification: Uncertain significance. Last evaluated: 2016-10-02. Review status: criteria provided, single submitter. Criteria: EGL Classification Definitions 2015. Collection method: clinical testing. Allele origin: germline. Observed: 2 variant alleles, 1 heterozygote, 1 homozygote.

CHEO Genetics Diagnostic Laboratory, Children's Hospital of Eastern Ontario
Classification: Uncertain significance for Cardiomyopathy. Last evaluated: 2016-06-16. Review status: criteria provided, single submitter. Criteria: ACMG Guidelines, 2015. Collection method: clinical testing. Allele origin: germline. Study: Canadian Open Genetics Repository.

Labcorp Genetics (formerly Invitae), Labcorp
Classification: Uncertain significance for Dilated cardiomyopathy 1G; Autosomal recessive limb-girdle muscular dystrophy type 2J. Last evaluated: 2016-01-01. Review status: criteria provided, single submitter. Criteria: Invitae Variant Classification Sherloc (09022015). Collection method: clinical testing. Allele origin: germline.

Genetics and Genomics Program, Sidra Medicine
Classification: Uncertain significance for Hypertrophic cardiomyopathy. Review status: criteria provided, single submitter. Criteria: ACMG Guidelines, 2015. Collection method: research. Allele origin: unknown. Affected: yes. Observed: 1 variant allele.